The following is an entry in ClinVar:

ClinVar aggregate classification (germline): Likely benign (0 of 4 stars; one submission).

Conditions:
SLC10A1-related disorder. Also called: SLC10A1-related condition.

gnomAD v4.1: 122 of 1,614,064 alleles (0.0076%); highest among the groups gnomAD compares: East Asian, 0.036%; no homozygotes.

Submission:

PreventionGenetics, part of Exact Sciences
Classification: Likely benign for SLC10A1-related condition. Last evaluated: 2019-03-11. Review status: no assertion criteria provided. Collection method: clinical testing. Allele origin: germline.
Comment: This variant is classified as likely benign based on ACMG/AMP sequence variant interpretation guidelines (Richards et al. 2015 PMID: 25741868, with internal and published modifications).

NM_003049.4(SLC10A1):c.528C>G (p.Leu176=)

Gene: SLC10A1 (solute carrier family 10 member 1; minus strand). Cytogenetic location: 14q24.1.
Variant type: single nucleotide variant.
Coding change: c.528C>G on transcript NM_003049.4 (MANE Select); coding-DNA position 528, C replaced by G.
Protein change: p.Leu176=; no amino-acid change (leucine 176 retained).
Molecular consequence: synonymous variant.
Genome position (GRCh38, 1-based): chr14:69,786,136, G>C on the plus strand (C>G on the coding strand, the complement: SLC10A1 is on the minus strand). VCF-style: chr14-69786136-G-C. GRCh37 (hg19) VCF-style: chr14-70252853-G-C.
Identifiers: ClinVar variation 3352996 (VCV003352996.1).